The following is an entry in ClinVar:

NM_001918.5(DBT):c.433+6G>A

Gene: DBT (dihydrolipoamide branched chain transacylase E2; minus strand). Cytogenetic location: 1p21.2.
Variant type: single nucleotide variant.
Coding change: c.433+6G>A on transcript NM_001918.5 (MANE Select); 6 bases into the intron after coding-DNA position 433, G replaced by A.
Molecular consequence: intron variant.
Genome position (GRCh38, 1-based): chr1:100,230,727, C>T on the plus strand (G>A on the coding strand, the complement: DBT is on the minus strand). VCF-style: chr1-100230727-C-T. GRCh37 (hg19) VCF-style: chr1-100696283-C-T.
Other names: c.-111+6G>A (NM_001399972.1, NM_001399969.1).
Identifiers: ClinVar variation 2152484 (VCV002152484.3), dbSNP rs774333047, ClinGen allele CA969761.

ClinVar aggregate classification (germline): Uncertain significance. Review status: criteria provided, multiple submitters, no conflicts (2 of 4 stars). 2 submissions from 2 submitters: Uncertain significance (2). Last evaluated 2023-11-05.

Conditions:
Maple syrup urine disease (MSUD). Identifiers: Orphanet 511, MedGen C0024776, MeSH D008375, MONDO:0009563. Disease mechanism: loss of function.

Allele frequency attached by ClinVar (database versions not stated): gnomAD exomes below 0.00001; TOPMed below 0.00001; ExAC 0.00002.
gnomAD v4.1: 3 of 1,588,978 alleles (0.00019%); highest among the groups gnomAD compares: Admixed American, 0.0034%; no homozygotes.

Submissions (2):

Women's Health and Genetics/Laboratory Corporation of America, LabCorp
Classification: Uncertain significance. Last evaluated: 2023-11-05. Review status: criteria provided, single submitter. Criteria: LabCorp Variant Classification Summary - May 2015. Collection method: clinical testing. Allele origin: germline.

Labcorp Genetics (formerly Invitae), Labcorp
Classification: Uncertain significance for Maple syrup urine disease. Last evaluated: 2022-11-01. Review status: criteria provided, single submitter. Criteria: Invitae Variant Classification Sherloc (09022015). Collection method: clinical testing. Allele origin: germline.
Comment: In summary, the available evidence is currently insufficient to determine the role of this variant in disease. Therefore, it has been classified as a Variant of Uncertain Significance. Variants that disrupt the consensus splice site are a relatively common cause of aberrant splicing (PMID: 17576681, 9536098). Algorithms developed to predict the effect of sequence changes on RNA splicing suggest that this variant may disrupt the consensus splice site. This variant has not been reported in the literature in individuals affected with DBT-related conditions. This variant is present in population databases (rs774333047, gnomAD 0.007%). This sequence change falls in intron 4 of the DBT gene. It does not directly change the encoded amino acid sequence of the DBT protein. It affects a nucleotide within the consensus splice site.

Literature cited by the submitters: PubMed 17576681 (cited by Labcorp Genetics (formerly Invitae), Labcorp); PubMed 9536098 (cited by Labcorp Genetics (formerly Invitae), Labcorp).